The following is an entry in ClinVar:

ClinVar aggregate classification (germline): Uncertain significance. Review status: criteria provided, multiple submitters, no conflicts (2 of 4 stars). 2 submissions from 2 submitters: Uncertain significance (2). Last evaluated 2026-02-01.

Submissions (2):

GeneDx
Classification: Uncertain significance. Last evaluated: 2026-02-01. Review status: criteria provided, single submitter. Criteria: GeneDx Variant Classification Process June 2021. Collection method: clinical testing. Allele origin: germline.
Comment: Not observed at significant frequency in large population cohorts (gnomAD); In silico analysis suggests that this variant does not alter protein structure/function; Has not been previously published as pathogenic or benign to our knowledge

Labcorp Genetics (formerly Invitae), Labcorp
Classification: Uncertain significance. Last evaluated: 2022-04-06. Review status: criteria provided, single submitter. Criteria: Invitae Variant Classification Sherloc (09022015). Collection method: clinical testing. Allele origin: germline.
Comment: This variant has not been reported in the literature in individuals affected with MPDZ-related conditions. Algorithms developed to predict the effect of missense changes on protein structure and function are either unavailable or do not agree on the potential impact of this missense change (SIFT: "Not Available"; PolyPhen-2: "Benign"; Align-GVGD: "Not Available"). In summary, the available evidence is currently insufficient to determine the role of this variant in disease. Therefore, it has been classified as a Variant of Uncertain Significance. The frequency data for this variant in the population databases is considered unreliable, as metrics indicate poor data quality at this position in the gnomAD database. This sequence change replaces threonine, which is neutral and polar, with methionine, which is neutral and non-polar, at codon 358 of the MPDZ protein (p.Thr358Met).

NM_001378778.1(MPDZ):c.1073_1074inv (p.Thr358Met)

Gene: MPDZ (multiple PDZ domain crumbs cell polarity complex component; minus strand). Cytogenetic location: 9p23.
Variant type: Inversion.
Coding change: c.1073_1074inv on transcript NM_001378778.1 (MANE Select).
Protein change: p.Thr358Met; replaces threonine 358 with methionine.
Molecular consequence: missense variant.
Genome position: GRCh38 VCF-style: chr9-13219571-TG-CA. GRCh37 (hg19) VCF-style: chr9-13219570-TG-CA.
Other names: c.1073_1074inv, p.Thr358Met (NM_001261406.2, NM_001261407.2, NM_001330637.2 and 14 more transcripts); c.1073_1074delinsTG (NM_003829.4); short protein forms T358M.
Identifiers: ClinVar variation 2180561 (VCV002180561.3), ClinGen allele CA2580079254.